The following is an entry in ClinVar:

NM_001365999.1(SZT2):c.9481G>A (p.Asp3161Asn)

Genes: SZT2 (SZT2 subunit of KICSTOR complex; plus strand), SZT2-AS1 (SZT2 antisense RNA 1; minus strand). Cytogenetic location: 1p34.2.
Variant type: single nucleotide variant.
Coding change: c.9481G>A on transcript NM_001365999.1 (MANE Select); coding-DNA position 9481, G replaced by A.
Protein change: p.Asp3161Asn; replaces aspartic acid 3161 with asparagine.
Molecular consequence: missense variant. On other transcripts: non-coding transcript variant (1).
Genome position (GRCh38, 1-based): chr1:43,447,889, G>A. VCF-style: chr1-43447889-G-A. GRCh37 (hg19) VCF-style: chr1-43913560-G-A.
Other names: c.9310G>A, p.Asp3104Asn (NM_015284.4); short protein forms D3104N, D3161N.
Identifiers: ClinVar variation 1037350 (VCV001037350.8), dbSNP rs778357599, ClinGen allele CA340043388.

ClinVar aggregate classification (germline): Uncertain significance (1 of 4 stars; one submission).

gnomAD v4.1: 2 of 1,614,104 alleles (0.00012%); highest among the groups gnomAD compares: Middle Eastern, 0.016%; no homozygotes.

Submission:

Labcorp Genetics (formerly Invitae), Labcorp
Classification: Uncertain significance. Last evaluated: 2021-08-04. Review status: criteria provided, single submitter. Criteria: Invitae Variant Classification Sherloc (09022015). Collection method: clinical testing. Allele origin: germline.
Comment: This sequence change replaces aspartic acid with asparagine at codon 3104 of the SZT2 protein (p.Asp3104Asn). The aspartic acid residue is highly conserved and there is a small physicochemical difference between aspartic acid and asparagine. This variant is not present in population databases (ExAC no frequency). This variant has not been reported in the literature in individuals with SZT2-related disease. Algorithms developed to predict the effect of missense changes on protein structure and function do not agree on the potential impact of this missense change (SIFT: "Tolerated"; PolyPhen-2: "Probably Damaging"; Align-GVGD: "Class C0"). In summary, the available evidence is currently insufficient to determine the role of this variant in disease. Therefore, it has been classified as a Variant of Uncertain Significance.